The following is an entry in ClinVar:

ClinVar aggregate classification (germline): Conflicting classifications of pathogenicity. Review status: criteria provided, conflicting classifications (1 of 4 stars). 4 submissions from 4 submitters: Likely pathogenic (2); Uncertain significance (2). Last evaluated 2025-04-22.

Conditions:
Cardiovascular phenotype. Identifiers: MedGen CN230736.
Hereditary cancer-predisposing syndrome. Also called: Hereditary Cancer Syndrome; Hereditary neoplastic syndrome; Neoplastic Syndromes, Hereditary; Tumor predisposition. Identifiers: Orphanet 140162, MedGen C0027672, MeSH D009386, MONDO:0015356.
LZTR1-related disorder. Also called: LZTR1-related disorders; LZTR1-related condition.

Allele frequency attached by ClinVar (database versions not stated): gnomAD 0.00001; TOPMed 0.00002.

Submissions (4):

Ambry Genetics
Classification: Likely pathogenic for Cardiovascular phenotype; Hereditary cancer-predisposing syndrome. Last evaluated: 2025-04-22. Review status: criteria provided, single submitter. Criteria: Ambry Variant Classification Scheme 2023. Collection method: clinical testing. Allele origin: germline.
Comment: The c.1449G>A variant (also known as p.Q483Q), located in coding exon 13 of the LZTR1 gene. This variant results from a G to A substitution at nucleotide position 1449. This nucleotide substitution does not change the glutamine at codon 483. However, this change occurs in the last base pair of coding exon 13, which makes it likely to have some effect on normal mRNA splicing. In silico splice site analysis predicts that this alteration will weaken the native splice donor site and will result in the creation or strengthening of a novel splice donor site, and RNA studies have demonstrated that this alteration results in abnormal splicing in the set of samples tested (Ambry internal data). In addition, this alteration has been observed in at least one individual with a personal history that is consistent with LZTR1-related disease (Ambry internal data). This variant is considered to be rare based on population cohorts in the Genome Aggregation Database (gnomAD). Loss-of-function variants in LZTR1 are related to an increased risk for schwannomas and autosomal recessive Noonan syndrome; however, such associations with autosomal dominant Noonan syndrome have not been observed (Piotrowski A et al. Nat Genet. 2014 Feb;46:182-7; Yamamoto GL et al. J Med Genet. 2015 Jun;52:413-21; Johnston JJ et al. Genet Med. 2018 10;20:1175-1185). Based on the supporting evidence, this variant is likely pathogenic for an increased risk of LZTR1-related schwannomatosis (SWN) and would be expected to cause autosomal recessive Noonan syndrome when present along with a second pathogenic or likely pathogenic variant on the other allele; however, the association of this alteration with autosomal dominant Noonan syndrome is unlikely.

Labcorp Genetics (formerly Invitae), Labcorp
Classification: Uncertain significance. Last evaluated: 2025-02-13. Review status: criteria provided, single submitter. Criteria: Invitae Variant Classification Sherloc (09022015). Collection method: clinical testing. Allele origin: germline.
Comment: This sequence change affects codon 483 of the LZTR1 mRNA. It is a 'silent' change, meaning that it does not change the encoded amino acid sequence of the LZTR1 protein. This variant also falls at the last nucleotide of exon 13, which is part of the consensus splice site for this exon. This variant is not present in population databases (gnomAD no frequency). This variant has not been reported in the literature in individuals affected with LZTR1-related conditions. ClinVar contains an entry for this variant (Variation ID: 1772861). Variants that disrupt the consensus splice site are a relatively common cause of aberrant splicing (PMID: 17576681, 9536098). Algorithms developed to predict the effect of sequence changes on RNA splicing suggest that this variant may disrupt the consensus splice site. In summary, the available evidence is currently insufficient to determine the role of this variant in disease. Therefore, it has been classified as a Variant of Uncertain Significance.

GeneDx
Classification: Likely pathogenic. Last evaluated: 2024-01-11. Review status: criteria provided, single submitter. Criteria: GeneDx Variant Classification Process June 2021. Collection method: clinical testing. Allele origin: germline. Affected: yes.
Comment: Not observed at significant frequency in large population cohorts (gnomAD); Has not been previously published as pathogenic or benign to our knowledge; In silico analysis supports a deleterious effect on splicing

PreventionGenetics, part of Exact Sciences
Classification: Uncertain significance for LZTR1-related condition. Last evaluated: 2023-04-07. Review status: criteria provided, single submitter. Criteria: ACMG Guidelines, 2015. Collection method: clinical testing. Allele origin: germline.
Comment: The LZTR1 c.1449G>A variant is not predicted to result in an amino acid change (p.=). This variant is located at the last nucleotide of exon 13 and is predicted to impact splicing (Alamut Visual Plus v1.6.1). To our knowledge, this variant has not been reported in the literature or in a large population database, indicating this variant is rare. This variant is listed in ClinVar as likely pathogenic based in part on another laboratory's internal data. At this time, the clinical significance of this variant is uncertain due to the absence of conclusive functional and genetic evidence.

Literature cited by the submitters: PubMed 17576681 (cited by Labcorp Genetics (formerly Invitae), Labcorp); PubMed 9536098 (cited by Labcorp Genetics (formerly Invitae), Labcorp).

NM_006767.4(LZTR1):c.1449G>A (p.Gln483=)

Gene: LZTR1 (leucine zipper like post translational regulator 1; plus strand). Cytogenetic location: 22q11.21.
Variant type: single nucleotide variant.
Coding change: c.1449G>A on transcript NM_006767.4 (MANE Select); coding-DNA position 1449, G replaced by A.
Protein change: p.Gln483=; no amino-acid change (glutamine 483 retained).
Molecular consequence: synonymous variant.
Genome position (GRCh38, 1-based): chr22:20,994,019, G>A. VCF-style: chr22-20994019-G-A. GRCh37 (hg19) VCF-style: chr22-21348308-G-A.
Identifiers: ClinVar variation 1772861 (VCV001772861.9), dbSNP rs1203145822, ClinGen allele CA513459451.